The following is an entry in ClinVar:

ClinVar aggregate classification (germline): Uncertain significance. Review status: criteria provided, multiple submitters, no conflicts (2 of 4 stars). 2 submissions from 2 submitters: Uncertain significance (2). Last evaluated 2025-10-02.

Conditions:
Inborn genetic diseases. Identifiers: MedGen C0950123, MeSH D030342.
Genitopatellar syndrome (GTPTS). Also called: ABSENT PATELLAE, SCROTAL HYPOPLASIA, RENAL ANOMALIES, FACIAL DYSMORPHISM, AND MENTAL RETARDATION; Genitopatellar syndrome (GPS). Identifiers: Orphanet 85201, MedGen C1853566, MONDO:0011640, OMIM 606170.

Allele frequency attached by ClinVar (database versions not stated): gnomAD exomes below 0.00001 and 0.00002; ExAC 0.00001; gnomAD 0.00001.
gnomAD v4.1: 30 of 1,613,526 alleles (0.0019%); highest among the groups gnomAD compares: Non-Finnish European, 0.0018%; 1 homozygote.

Submissions (2):

Ambry Genetics
Classification: Uncertain significance for Inborn genetic diseases. Last evaluated: 2025-10-02. Review status: criteria provided, single submitter. Criteria: Ambry Variant Classification Scheme 2023. Collection method: clinical testing. Allele origin: germline.

Labcorp Genetics (formerly Invitae), Labcorp
Classification: Uncertain significance for Genitopatellar syndrome. Last evaluated: 2024-04-09. Review status: criteria provided, single submitter. Criteria: Invitae Variant Classification Sherloc (09022015). Collection method: clinical testing. Allele origin: germline.
Comment: This sequence change replaces arginine, which is basic and polar, with glutamine, which is neutral and polar, at codon 151 of the KAT6B protein (p.Arg151Gln). This variant is present in population databases (rs761606204, gnomAD 0.003%). This variant has not been reported in the literature in individuals affected with KAT6B-related conditions. ClinVar contains an entry for this variant (Variation ID: 1515820). An algorithm developed to predict the effect of missense changes on protein structure and function (PolyPhen-2) suggests that this variant is likely to be tolerated. In summary, the available evidence is currently insufficient to determine the role of this variant in disease. Therefore, it has been classified as a Variant of Uncertain Significance.

NM_012330.4(KAT6B):c.452G>A (p.Arg151Gln)

Gene: KAT6B (lysine acetyltransferase 6B; plus strand). Cytogenetic location: 10q22.2.
Variant type: single nucleotide variant.
Coding change: c.452G>A on transcript NM_012330.4 (MANE Select); coding-DNA position 452, G replaced by A.
Protein change: p.Arg151Gln; replaces arginine 151 with glutamine.
Molecular consequence: missense variant. On other transcripts: 5 prime UTR variant (2).
Genome position (GRCh38, 1-based): chr10:74,843,309, G>A. VCF-style: chr10-74843309-G-A. GRCh37 (hg19) VCF-style: chr10-76603067-G-A.
Other names: c.452G>A (NM_012330.2); c.452G>A, p.Arg151Gln (NM_001256468.2, NM_001256469.2, NM_001370132.1 and 10 more transcripts); c.-87G>A (NM_001370134.1, NM_001370135.1); short protein forms R151Q.
Identifiers: ClinVar variation 1515820 (VCV001515820.9), dbSNP rs761606204, ClinGen allele CA5564215.
Genomic context (GRCh38, chr10:74,843,309, plus strand): 5'-AGTATCTCAGAAGTCAAAGTGATCTCACAAGCACCACCAACAACCCAGCCTTTCAGCAGC[G>A]GCTGCGACTGGGGGCCAAACGCGCTGTGAATAATGGGAGGTTACTGAAAGACGGACCGCA-3'
Protein context (NP_036462.2, residues 141-161): STTNNPAFQQ[Arg151Gln]LRLGAKRAVN